The following is an entry in ClinVar:

NM_000535.7(PMS2):c.715C>G (p.Leu239Val)

Gene: PMS2 (PMS1 homolog 2, mismatch repair system component; minus strand). Cytogenetic location: 7p22.1.
Variant type: single nucleotide variant.
Coding change: c.715C>G on transcript NM_000535.7 (MANE Select); coding-DNA position 715, C replaced by G.
Protein change: p.Leu239Val; replaces leucine 239 with valine.
Molecular consequence: missense variant. On other transcripts: 5 prime UTR variant (2), non-coding transcript variant (1).
Genome position (GRCh38, 1-based): chr7:5,997,414, G>C on the plus strand (C>G on the coding strand, the complement: PMS2 is on the minus strand). VCF-style: chr7-5997414-G-C. GRCh37 (hg19) VCF-style: chr7-6037045-G-C.
Other names: c.310C>G, p.Leu104Val (NM_001322003.2, NM_001322004.2, NM_001322005.2 and 2 more transcripts); c.715C>G, p.Leu239Val (NM_001322006.2, NM_001322014.2); c.397C>G, p.Leu133Val (NM_001322007.2, NM_001322008.2); c.-219C>G (NM_001322011.2, NM_001322012.2); c.142C>G, p.Leu48Val (NM_001322013.2); c.406C>G, p.Leu136Val (NM_001322015.2); c.715C>G (NM_000535.6); short protein forms L239V, L48V, L136V, L104V, L133V.
Identifiers: ClinVar variation 1038131 (VCV001038131.9), dbSNP rs1554301543, ClinGen allele CA366743779.

ClinVar aggregate classification (germline): Uncertain significance. Review status: criteria provided, single submitter (1 of 4 stars). 2 submissions from 2 submitters: Uncertain significance (1). 1 of the submissions does not count toward it. Last evaluated 2025-11-30.

Conditions:
PMS2-related disorder. Also called: PMS2-related condition.
Hereditary nonpolyposis colorectal neoplasms. Identifiers: MedGen C0009405, MeSH D003123.

Submissions (2):

Labcorp Genetics (formerly Invitae), Labcorp
Classification: Uncertain significance for Hereditary nonpolyposis colorectal neoplasms. Last evaluated: 2025-11-30. Review status: criteria provided, single submitter. Criteria: Invitae Variant Classification Sherloc (09022015). Collection method: clinical testing. Allele origin: germline.
Comment: This sequence change replaces leucine, which is neutral and non-polar, with valine, which is neutral and non-polar, at codon 239 of the PMS2 protein (p.Leu239Val). This variant is not present in population databases (gnomAD no frequency). This variant has not been reported in the literature in individuals affected with PMS2-related conditions. ClinVar contains an entry for this variant (Variation ID: 1038131). Invitae Evidence Modeling of protein sequence and biophysical properties (such as structural, functional, and spatial information, amino acid conservation, physicochemical variation, residue mobility, and thermodynamic stability) indicates that this missense variant is not expected to disrupt PMS2 protein function with a negative predictive value of 80%. In summary, the available evidence is currently insufficient to determine the role of this variant in disease. Therefore, it has been classified as a Variant of Uncertain Significance.

PreventionGenetics, part of Exact Sciences
Classification: Uncertain significance for PMS2-related condition. Last evaluated: 2024-06-03. Review status: no assertion criteria provided. Collection method: clinical testing. Allele origin: germline. Not counted in ClinVar's aggregate classification.
Comment: The PMS2 c.715C>G variant is predicted to result in the amino acid substitution p.Leu239Val. To our knowledge, this variant has not been reported in the literature or in a large population database, indicating this variant is rare. In ClinVar, it is interpreted as uncertain. A different variant affecting the same amino acid position, c.716T>G, p.(Leu239Arg), has been reported in an individual with colorectal cancer and suspected Lynch syndrome (Table 1 in Wang et al 2020. PubMed ID: 31992580). At this time, the clinical significance of the p.(Leu239Val) variant is uncertain due to the absence of conclusive functional and genetic evidence.